The following is an entry in ClinVar:

NM_198525.3(KIF7):c.2904C>T (p.Asn968=)

Gene: KIF7 (kinesin family member 7; minus strand). Cytogenetic location: 15q26.1.
Variant type: single nucleotide variant.
Coding change: c.2904C>T on transcript NM_198525.3 (MANE Select); coding-DNA position 2904, C replaced by T.
Protein change: p.Asn968=; no amino-acid change (asparagine 968 retained).
Molecular consequence: synonymous variant.
Genome position (GRCh38, 1-based): chr15:89,631,702, G>A on the plus strand (C>T on the coding strand, the complement: KIF7 is on the minus strand). VCF-style: chr15-89631702-G-A. GRCh37 (hg19) VCF-style: chr15-90174933-G-A.
Identifiers: ClinVar variation 1973613 (VCV001973613.10), dbSNP rs756477629, ClinGen allele CA7727884.

ClinVar aggregate classification (germline): Likely benign. Review status: criteria provided, multiple submitters, no conflicts (2 of 4 stars). 3 submissions from 3 submitters: Likely benign (3). Last evaluated 2026-02-01.

Conditions:
Acrocallosal syndrome (ACLS). Also called: HALLUX DUPLICATION, POSTAXIAL POLYDACTYLY, AND ABSENCE OF CORPUS CALLOSUM; Schinzel syndrome 1; Absence of corpus callosum with unusual facial appearance, mental deficiency, duplication of the halluces and polydactyly. Identifiers: Orphanet 36, MedGen C0796147, MONDO:0008708, OMIM 200990.

Allele frequency attached by ClinVar (database versions not stated): TOPMed 0.00003; gnomAD exomes 0.00007; ExAC 0.00016.
gnomAD v4.1: 105 of 1,552,616 alleles (0.0068%); highest among the groups gnomAD compares: South Asian, 0.0083%; 1 homozygote.

Submissions (3):

CeGaT Center for Human Genetics Tuebingen
Classification: Likely benign. Last evaluated: 2026-02-01. Review status: criteria provided, single submitter. Criteria: CeGaT Center For Human Genetics Tuebingen Variant Classification Criteria Version 2. Collection method: clinical testing. Allele origin: germline. Affected: yes. Observed: 1 variant allele.
Comment: KIF7: BP4, BP7

Labcorp Genetics (formerly Invitae), Labcorp
Classification: Likely benign for Acrocallosal syndrome. Last evaluated: 2025-09-29. Review status: criteria provided, single submitter. Criteria: Invitae Variant Classification Sherloc (09022015). Collection method: clinical testing. Allele origin: germline.

Blueprint Genetics
Classification: Likely benign. Last evaluated: 2024-09-02. Review status: criteria provided, single submitter. Criteria: ACMG Guidelines, 2015. Collection method: clinical testing. Allele origin: germline.